The following is an entry in ClinVar:

ClinVar aggregate classification (germline): Uncertain significance (1 of 4 stars; one submission).

Submission:

CeGaT Center for Human Genetics Tuebingen
Classification: Uncertain significance. Last evaluated: 2026-03-01. Review status: criteria provided, single submitter. Criteria: CeGaT Center For Human Genetics Tuebingen Variant Classification Criteria Version 2. Collection method: clinical testing. Allele origin: germline. Affected: yes. Observed: 1 variant allele.
Comment: SPAST: PM2, PP2

NM_014946.4(SPAST):c.1544T>C (p.Leu515Pro)

Gene: SPAST (spastin; plus strand). Cytogenetic location: 2p22.3.
Variant type: single nucleotide variant.
Coding change: c.1544T>C on transcript NM_014946.4 (MANE Select); coding-DNA position 1544, T replaced by C.
Protein change: p.Leu515Pro; replaces leucine 515 with proline.
Molecular consequence: missense variant.
Genome position (GRCh38, 1-based): chr2:32,143,343, T>C. VCF-style: chr2-32143343-T-C. GRCh37 (hg19) VCF-style: chr2-32368412-T-C.
Other names: c.1541T>C, p.Leu514Pro (NM_001363823.2); c.1445T>C, p.Leu482Pro (NM_001363875.2); c.1448T>C, p.Leu483Pro (NM_001377959.1, NM_199436.2); short protein forms L482P, L483P, L514P, L515P.
Identifiers: ClinVar variation 4823707 (VCV004823707.4).
Genomic context (GRCh38, chr2:32,143,343, plus strand): 5'-AGAATCATTAATTCTGAAATTAGACTGAATGATCATTTTTTAATATTTTTCAGACAAGAC[T>C]ACTTTTGCTTAAAAATCTGTTATGTAAACAAGGAAGTCCATTGACCCAAAAAGAACTAGC-3'
Protein context (NP_055761.2, residues 505-525): YVSLPNEETR[Leu515Pro]LLLKNLLCKQ